The following is an entry in ClinVar:

NM_022369.4(STRA6):c.1399C>T (p.Arg467Cys)

Gene: STRA6 (signaling receptor and transporter of retinol STRA6; minus strand). Cytogenetic location: 15q24.1.
Variant type: single nucleotide variant.
Coding change: c.1399C>T on transcript NM_022369.4 (MANE Select); coding-DNA position 1399, C replaced by T.
Protein change: p.Arg467Cys; replaces arginine 467 with cysteine.
Molecular consequence: missense variant.
Genome position (GRCh38, 1-based): chr15:74,182,362, G>A on the plus strand (C>T on the coding strand, the complement: STRA6 is on the minus strand). VCF-style: chr15-74182362-G-A. GRCh37 (hg19) VCF-style: chr15-74474703-G-A.
Other names: c.1516C>T, p.Arg506Cys (NM_001199042.2); c.1399C>T, p.Arg467Cys (NM_001142617.2, NM_001142618.2); c.1372C>T, p.Arg458Cys (NM_001142619.2); c.1510C>T, p.Arg504Cys (NM_001199040.2); c.1444C>T, p.Arg482Cys (NM_001199041.2); c.1399C>T (NM_022369.3); short protein forms R458C, R467C, R482C, R504C, R506C.
Identifiers: ClinVar variation 3777061 (VCV003777061.2).

ClinVar aggregate classification (germline): Uncertain significance. Review status: criteria provided, multiple submitters, no conflicts (2 of 4 stars). 2 submissions from 2 submitters: Uncertain significance (2). Last evaluated 2025-02-19.

Conditions:
Microphthalmia, syndromic 9. Also called: ANOPHTHALMIA, CLINICAL, WITH MILD FACIAL DYSMORPHISM AND VARIABLE MALFORMATIONS OF THE LUNG, HEART, AND DIAPHRAGM; ANOPHTHALMIA/MICROPHTHALMIA AND PULMONARY HYPOPLASIA; PULMONARY AGENESIS, MICROPHTHALMIA, AND DIAPHRAGMATIC DEFECT; SPEAR SYNDROME; Matthew-Wood syndrome. Identifiers: Orphanet 2470, MedGen C1832661, MONDO:0011010, OMIM 601186.
Inborn genetic diseases. Identifiers: MedGen C0950123, MeSH D030342.

gnomAD v4.1: 11 of 1,613,954 alleles (0.00068%); highest among the groups gnomAD compares: South Asian, 0.0044%; no homozygotes.

Submissions (2):

Ambry Genetics
Classification: Uncertain significance for Inborn genetic diseases. Last evaluated: 2025-02-19. Review status: criteria provided, single submitter. Criteria: Ambry Variant Classification Scheme 2023. Collection method: clinical testing. Allele origin: germline.

Department of Biotechnology and Genetic Engineering, Kohat University of Science and Technology
Classification: Uncertain significance for Microphthalmia, syndromic 9. Review status: criteria provided, single submitter. Criteria: ACMG Guidelines, 2015. Collection method: research. Allele origin: germline. Inheritance: Autosomal recessive inheritance. Affected: yes and no. Observed: 5 variant alleles, 3 heterozygotes, 2 homozygotes.
Comment: This sequence change results in a missense variant (p.Arg467Cys) in the STRA6 gene. The arginine residue at this position is conserved, and the substitution may impact protein function. This variant is extremely rare in population databases (gnomAD allele frequency: 0.00001992). In silico predictions suggest a potentially damaging effect (MutationTaster: disease causing; PolyPhen-2: probably damaging [score: 0.990]); however, other tools provide conflicting results (REVEL: 0.349 – medium; SIFT: 0.009 – tolerated), indicating uncertain significance. This variant has not been reported in affected individuals, nor is it supported by strong segregation or functional evidence. Based on current evidence and ACMG criteria (PM2), this variant has been classified as a Variant of Uncertain Significance (VUS).